The following is an entry in ClinVar:

ClinVar aggregate classification (germline): Uncertain significance. Review status: criteria provided, single submitter (1 of 4 stars). 2 submissions from 2 submitters: Uncertain significance (1). 1 of the submissions does not count toward it. Last evaluated 2025-04-07.

Conditions:
VPS13B-related disorder. Also called: VPS13B-related condition.
Cohen syndrome (COH1). Also called: PEPPER SYNDROME; Cutis verticis gyrata, retinitis pigmentosa, and sensorineural deafness. Identifiers: Orphanet 193, MedGen C0265223, MONDO:0008999, OMIM 216550.

gnomAD v4.1: 1 of 1,613,854 alleles (0.000062%); no homozygotes.

Submissions (2):

Labcorp Genetics (formerly Invitae), Labcorp
Classification: Uncertain significance for Cohen syndrome. Last evaluated: 2025-04-07. Review status: criteria provided, single submitter. Criteria: Invitae Variant Classification Sherloc (09022015). Collection method: clinical testing. Allele origin: germline.
Comment: This sequence change replaces glutamine, which is neutral and polar, with histidine, which is basic and polar, at codon 2137 of the VPS13B protein (p.Gln2137His). This variant is not present in population databases (gnomAD no frequency). This variant has not been reported in the literature in individuals affected with VPS13B-related conditions. ClinVar contains an entry for this variant (Variation ID: 1056456). Invitae Evidence Modeling of protein sequence and biophysical properties (such as structural, functional, and spatial information, amino acid conservation, physicochemical variation, residue mobility, and thermodynamic stability) indicates that this missense variant is not expected to disrupt VPS13B protein function with a negative predictive value of 80%. In summary, the available evidence is currently insufficient to determine the role of this variant in disease. Therefore, it has been classified as a Variant of Uncertain Significance.

PreventionGenetics, part of Exact Sciences
Classification: Uncertain significance for VPS13B-related condition. Last evaluated: 2024-07-30. Review status: no assertion criteria provided. Collection method: clinical testing. Allele origin: germline. Not counted in ClinVar's aggregate classification.
Comment: The VPS13B c.6336A>T variant is predicted to result in the amino acid substitution p.Gln2112His. To our knowledge, this variant has not been reported in the literature or in a large population database, indicating this variant is rare. At this time, the clinical significance of this variant is uncertain due to the absence of conclusive functional and genetic evidence.

NM_152564.5(VPS13B):c.6336A>T (p.Gln2112His)

Gene: VPS13B (vacuolar protein sorting 13 homolog B; plus strand). Cytogenetic location: 8q22.2.
Variant type: single nucleotide variant.
Coding change: c.6336A>T on transcript NM_152564.5 (MANE Select); coding-DNA position 6336, A replaced by T.
Protein change: p.Gln2112His; replaces glutamine 2112 with histidine.
Molecular consequence: missense variant.
Genome position (GRCh38, 1-based): chr8:99,699,814, A>T. VCF-style: chr8-99699814-A-T. GRCh37 (hg19) VCF-style: chr8-100712042-A-T.
Other names: c.6336A>T (NM_152564.4); c.6411A>T, p.Gln2137His (NM_017890.5); short protein forms Q2112H, Q2137H.
Identifiers: ClinVar variation 1056456 (VCV001056456.3), dbSNP rs780082543, ClinGen allele CA371874947.